The following is an entry in ClinVar:

ClinVar aggregate classification (germline): Conflicting classifications of pathogenicity. Review status: criteria provided, conflicting classifications (1 of 4 stars). 4 submissions from 4 submitters: Uncertain significance (3); Likely benign (1). Last evaluated 2023-04-19.

Conditions:
Congenital contractural arachnodactyly (CCA). Also called: BEALS SYNDROME; Arthrogryposis, distal, type 9; Beals-Hecht syndrome. Identifiers: Orphanet 115, MedGen C0220668, MONDO:0007363, OMIM 121050.

gnomAD v4.1: 6 of 1,613,982 alleles (0.00037%); highest among the groups gnomAD compares: Admixed American, 0.0017%; no homozygotes.

Submissions (4):

Blueprint Genetics
Classification: Likely benign. Last evaluated: 2023-04-19. Review status: criteria provided, single submitter. Criteria: ACMG Guidelines, 2015. Collection method: clinical testing. Allele origin: germline.

AiLife Diagnostics
Classification: Uncertain significance. Last evaluated: 2022-01-19. Review status: criteria provided, single submitter. Criteria: ACMG Guidelines, 2015. Collection method: clinical testing. Allele origin: germline. Affected: yes. Observed: 1 variant allele.

Molecular Genetics, Royal Melbourne Hospital
Classification: Uncertain significance for Congenital contractural arachnodactyly. Last evaluated: 2021-07-02. Review status: criteria provided, single submitter. Criteria: ACMG Guidelines, 2015. Collection method: clinical testing. Allele origin: germline. Affected: yes.
Comment: This sequence change is predicted to replace glycine with tryptophan at codon 2715 of the FBN2 protein (p.(Gly2715Trp)). The glycine residue is invariant across species (100 vertebrates, UCSC), and is located in calcium-binding EGF-like repeat 47. There is a large physicochemical difference between glycine and tryptophan. The variant is present in a large population cohort at a frequency of 0.002% (rs772569905, 5/282,478 alleles, 0 homozygotes in gnomAD v2.1), and has not been reported in the relevant medical literature or databases. Multiple lines of computational evidence predict a deleterious effect for the missense substitution (6/6 algorithms). Based on the classification scheme RMH ACMG Guidelines v1.2.1, this variant is classified as a VARIANT OF UNCERTAIN SIGNIFICANCE. Following criteria are met: PP3.

Victorian Clinical Genetics Services, Murdoch Childrens Research Institute
Classification: Uncertain significance for Congenital contractural arachnodactyly. Last evaluated: 2021-05-06. Review status: criteria provided, single submitter. Criteria: ACMG Guidelines, 2015. Collection method: clinical testing. Allele origin: germline. Inheritance: Autosomal dominant inheritance.
Comment: Based on the classification scheme VCGS_Germline_v1.3.4, this variant is classified as VUS-3C. Following criteria are met: 0105 - The mechanism of disease for this gene is not clearly established. However, dominant negative is a likely mechanism of disease (PMID: 31316167). (I) 0107 - This gene is associated with autosomal dominant disease. There are also rare reports of a severe form of congenital contractural arachnodactyly due to biallelic variants (PMID: 33571691). (I) 0115 - Variants in this gene are known to have variable expressivity. Intra- and interfamilial variability is well reported for this gene (PMID: 20301560). (I) 0200 - Variant is predicted to result in a missense amino acid change from glycine to tryptophan. (I) 0251 - This variant is heterozygous. (I) 0302 - Variant is present in gnomAD (v2) <0.001 for a dominant condition (5 heterozygotes, 0 homozygotes). (SP) 0309 - An alternative amino acid change at the same position has been observed in gnomAD (v2) (4 heterozygotes, 0 homozygotes). (I) 0501 - Missense variant consistently predicted to be damaging by multiple in silico tools or highly conserved with a major amino acid change. (SP) 0600 - Variant is located in the annotated EGF-like 47 calcium-binding domain (Uniprot). (I) 0710 - Another missense variant comparable to the one identified in this case has inconclusive previous evidence for pathogenicity. This alternative change (p.Gly2715Arg) has been reported as a VUS (LOVD, ClinVar). (I) 0807 - This variant has no previous evidence of pathogenicity. (I) 0905 - No published segregation evidence has been identified for this variant. (I) 1007 - No published functional evidence has been identified for this variant. (I) Legend: (SP) - Supporting pathogenic, (I) - Information, (SB) - Supporting benign

Literature cited by the submitters: PubMed 20301560 (cited by Victorian Clinical Genetics Services, Murdoch Childrens Research Institute); PubMed 31316167 (cited by Victorian Clinical Genetics Services, Murdoch Childrens Research Institute); PubMed 33571691 (cited by Victorian Clinical Genetics Services, Murdoch Childrens Research Institute).

NM_001999.4(FBN2):c.8143G>T (p.Gly2715Trp)

Gene: FBN2 (fibrillin 2; minus strand). Cytogenetic location: 5q23.3.
Variant type: single nucleotide variant.
Coding change: c.8143G>T on transcript NM_001999.4 (MANE Select); coding-DNA position 8143, G replaced by T.
Protein change: p.Gly2715Trp; replaces glycine 2715 with tryptophan.
Molecular consequence: missense variant.
Genome position (GRCh38, 1-based): chr5:128,263,474, C>A on the plus strand (G>T on the coding strand, the complement: FBN2 is on the minus strand). VCF-style: chr5-128263474-C-A. GRCh37 (hg19) VCF-style: chr5-127599166-C-A.
Other names: c.8143G>T (NM_001999.3); short protein forms G2715W.
Identifiers: ClinVar variation 1677824 (VCV001677824.5), dbSNP rs772569905, ClinGen allele CA3393909.